The following is an entry in ClinVar:

ClinVar aggregate classification (germline): Uncertain significance (1 of 4 stars; one submission).

Conditions:
Cardiovascular phenotype. Identifiers: MedGen CN230736.

Allele frequency attached by ClinVar (database versions not stated): gnomAD exomes below 0.00001; TOPMed below 0.00001; gnomAD 0.00001.
gnomAD v4.1: 2 of 1,613,988 alleles (0.00012%); highest among the groups gnomAD compares: African/African-American, 0.0013%; no homozygotes.

Submissions (2):

Ambry Genetics
Classification: Uncertain significance for Cardiovascular phenotype. Last evaluated: 2023-05-27. Review status: criteria provided, single submitter. Criteria: Ambry Variant Classification Scheme 2023. Collection method: clinical testing. Allele origin: germline.
Comment: The p.Q292K variant (also known as c.874C>A), located in coding exon 7 of the TBX5 gene, results from a C to A substitution at nucleotide position 874. The glutamine at codon 292 is replaced by lysine, an amino acid with similar properties. This amino acid position is conserved. In addition, the in silico prediction for this alteration is inconclusive. Since supporting evidence is limited at this time, the clinical significance of this alteration remains unclear.

Dr. Peter K. Rogan Lab, Western University
No classification provided (evidence only). Condition: Melanoma. Review status: no classification provided. Collection method: in vitro. Allele origin: not applicable. Functional consequence: retained intron. Not counted in ClinVar's aggregate classification.

NM_181486.4(TBX5):c.874C>A (p.Gln292Lys)

Gene: TBX5 (T-box transcription factor 5; minus strand). Cytogenetic location: 12q24.21.
Variant type: single nucleotide variant.
Coding change: c.874C>A on transcript NM_181486.4 (MANE Select); coding-DNA position 874, C replaced by A.
Protein change: p.Gln292Lys; replaces glutamine 292 with lysine.
Molecular consequence: missense variant.
Genome position (GRCh38, 1-based): chr12:114,366,273, G>T on the plus strand (C>A on the coding strand, the complement: TBX5 is on the minus strand). VCF-style: chr12-114366273-G-T. GRCh37 (hg19) VCF-style: chr12-114804078-G-T.
Other names: NC_000012.11:g.114804078G>T; c.874C>A, p.Gln292Lys (NM_000192.3); c.724C>A, p.Gln242Lys (NM_080717.4); short protein forms Q242K, Q292K.
Identifiers: ClinVar variation 2563132 (VCV002563132.3), dbSNP rs1869532900, ClinGen allele CA386926446.
Genomic context (GRCh38, chr12:114,366,273, plus strand): 5'-GGTATGGGTTGGGTGGAGGCAGGAGGTCCTGGGAGGGGCCGGAAACACCATTCTCACACT[G>T]GTATTGGGACCCCAAATTGGATGAGGTGGAGAGAGCTCGAGACTCGCTGCTGAAAGGACT-3'
Protein context (NP_852259.1, residues 282-302): STSSNLGSQY[Gln292Lys]CENGVSGPSQ